The following is an entry in ClinVar:

ClinVar aggregate classification (germline): Uncertain significance (1 of 4 stars; one submission).

Conditions:
TRIO-related disorder. Also called: TRIO-related condition; TRIO-related disorders.

Submission:

3billion
Classification: Uncertain significance for TRIO-related disorder. Last evaluated: 2024-11-14. Review status: criteria provided, single submitter. Criteria: ACMG Guidelines, 2015. Collection method: clinical testing. Allele origin: germline. Affected: yes.
Comment: The variant is not observed in the gnomAD v4.1.0 dataset. Predicted Consequence/Location: Missense variant In silico tools predict the variant to alter splicing and produce an abnormal transcript [SpliceAI: 0.59 (>=0.2, moderate evidence for spliceogenicity)]. Therefore, this variant is classified as VUS according to the recommendation of ACMG/AMP guideline.

NM_007118.4(TRIO):c.4219G>A (p.Glu1407Lys)

Gene: TRIO (trio Rho guanine nucleotide exchange factor; plus strand). Cytogenetic location: 5p15.2.
Variant type: single nucleotide variant.
Coding change: c.4219G>A on transcript NM_007118.4 (MANE Select); coding-DNA position 4219, G replaced by A.
Protein change: p.Glu1407Lys; replaces glutamic acid 1407 with lysine.
Molecular consequence: missense variant. On other transcripts: non-coding transcript variant (1).
Genome position (GRCh38, 1-based): chr5:14,394,038, G>A. VCF-style: chr5-14394038-G-A. GRCh37 (hg19) VCF-style: chr5-14394147-G-A.
Other names: short protein forms E1407K.
Identifiers: ClinVar variation 4292278 (VCV004292278.1).
Genomic context (GRCh38, chr5:14,394,038, plus strand): 5'-GCCATGATTTAATAGTGTAGCCCTATGATAACTCTTGTTTCTTGTTTGGTTTTAATACAG[G>A]AGATACAGCAGCGACATGGATTAGCCAATTCCATTTCTTCCTACCTTATTAAACCAGTTC-3'
Protein context (NP_009049.2, residues 1397-1417): ILEHAGSYFD[Glu1407Lys]IQQRHGLANS